The following is an entry in ClinVar:

NM_138576.4(BCL11B):c.161A>T (p.Asp54Val)

Gene: BCL11B (BCL11 transcription factor B; minus strand). Cytogenetic location: 14q32.2.
Variant type: single nucleotide variant.
Coding change: c.161A>T on transcript NM_138576.4 (MANE Select); coding-DNA position 161, A replaced by T.
Protein change: p.Asp54Val; replaces aspartic acid 54 with valine.
Molecular consequence: missense variant.
Genome position (GRCh38, 1-based): chr14:99,257,737, T>A on the plus strand (A>T on the coding strand, the complement: BCL11B is on the minus strand). VCF-style: chr14-99257737-T-A. GRCh37 (hg19) VCF-style: chr14-99724074-T-A.
Other names: c.158A>T, p.Asp53Val (NM_001282237.2, NM_001282238.2); c.161A>T, p.Asp54Val (NM_022898.3); short protein forms D53V, D54V.
Identifiers: ClinVar variation 1710902 (VCV001710902.2), dbSNP rs2503927608, ClinGen allele CA390939608.
Genomic context (GRCh38, chr14:99,257,737, plus strand): 5'-ATAAAAACCAGGATGTCCCCCAAGGGGAAGTTCATTTGACACTGGCCACAGGTGAGCAGG[T>A]CAGGGTCGGGGCCACCCACCATCAGCCCCAGGCCACTTGGCTCCTCTATCTCCAGACCCT-3'
Protein context (NP_612808.1, residues 44-64): LGLMVGGPDP[Asp54Val]LLTCGQCQMN

ClinVar aggregate classification (germline): Uncertain significance (1 of 4 stars; one submission).

Submission:

GeneDx
Classification: Uncertain significance. Last evaluated: 2022-04-11. Review status: criteria provided, single submitter. Criteria: GeneDx Variant Classification Process June 2021. Collection method: clinical testing. Allele origin: germline. Affected: yes.
Comment: Not observed at significant frequency in large population cohorts (gnomAD); In silico analysis supports that this missense variant has a deleterious effect on protein structure/function; Has not been previously published as pathogenic or benign to our knowledge